The following is an entry in ClinVar:

ClinVar aggregate classification (germline): Uncertain significance (1 of 4 stars; one submission).

Conditions:
Common variable immunodeficiency (CVID). Also called: Common variable hypogamma-globulinemia; Common variable agammaglobulinemia. Identifiers: Orphanet 1572, MedGen C0009447, MONDO:0015517.

Submission:

Labcorp Genetics (formerly Invitae), Labcorp
Classification: Uncertain significance for Common variable immunodeficiency. Last evaluated: 2024-03-25. Review status: criteria provided, single submitter. Criteria: Invitae Variant Classification Sherloc (09022015). Collection method: clinical testing. Allele origin: germline.
Comment: This sequence change replaces alanine, which is neutral and non-polar, with proline, which is neutral and non-polar, at codon 95 of the TNFSF12 protein (p.Ala95Pro). This variant also falls at the last nucleotide of exon 3, which is part of the consensus splice site for this exon. This variant is not present in population databases (gnomAD no frequency). This variant has not been reported in the literature in individuals affected with TNFSF12-related conditions. An algorithm developed to predict the effect of missense changes on protein structure and function (PolyPhen-2) suggests that this variant is likely to be disruptive. Variants that disrupt the consensus splice site are a relatively common cause of aberrant splicing (PMID: 17576681, 9536098). Algorithms developed to predict the effect of sequence changes on RNA splicing suggest that this variant may disrupt the consensus splice site. In summary, the available evidence is currently insufficient to determine the role of this variant in disease. Therefore, it has been classified as a Variant of Uncertain Significance.

Literature cited by the submitters: PubMed 17576681; PubMed 9536098.

NM_003809.3(TNFSF12):c.283G>C (p.Ala95Pro)

Genes: TNFSF12 (TNF superfamily member 12; plus strand), TNFSF12-TNFSF13 (TNFSF12-TNFSF13 readthrough; plus strand). Cytogenetic location: 17p13.1.
Variant type: single nucleotide variant.
Coding change: c.283G>C on transcript NM_003809.3 (MANE Select); coding-DNA position 283, G replaced by C.
Protein change: p.Ala95Pro; replaces alanine 95 with proline.
Molecular consequence: missense variant. On other transcripts: non-coding transcript variant (1).
Genome position (GRCh38, 1-based): chr17:7,550,195, G>C. VCF-style: chr17-7550195-G-C. GRCh37 (hg19) VCF-style: chr17-7453512-G-C.
Other names: c.283G>C, p.Ala95Pro (NM_172089.4); short protein forms A95P.
Identifiers: ClinVar variation 3687762 (VCV003687762.2).